The following is an entry in ClinVar:

ClinVar aggregate classification (germline): Uncertain significance (1 of 4 stars; one submission).

Submission:

Ambry Genetics
Classification: Uncertain significance. Last evaluated: 2025-03-23. Review status: criteria provided, single submitter. Criteria: Ambry Variant Classification Scheme 2023. Collection method: clinical testing. Allele origin: germline.
Comment: The p.R1192G variant (also known as c.3574A>G), located in coding exon 33 of the IKBKAP gene, results from an A to G substitution at nucleotide position 3574. The arginine at codon 1192 is replaced by glycine, an amino acid with dissimilar properties. This amino acid position is conserved. In addition, the in silico prediction for this alteration is inconclusive. Based on the available evidence, the clinical significance of this variant remains unclear.

NM_003640.5(ELP1):c.3574A>G (p.Arg1192Gly)

Gene: ELP1 (elongator acetyltransferase complex subunit 1; minus strand). Cytogenetic location: 9q31.3.
Variant type: single nucleotide variant.
Coding change: c.3574A>G on transcript NM_003640.5 (MANE Select); coding-DNA position 3574, A replaced by G.
Protein change: p.Arg1192Gly; replaces arginine 1192 with glycine.
Molecular consequence: missense variant.
Genome position (GRCh38, 1-based): chr9:108,878,749, T>C on the plus strand (A>G on the coding strand, the complement: ELP1 is on the minus strand). VCF-style: chr9-108878749-T-C. GRCh37 (hg19) VCF-style: chr9-111641029-T-C.
Other names: c.3232A>G, p.Arg1078Gly (NM_001318360.2); c.2527A>G, p.Arg843Gly (NM_001330749.2); short protein forms R843G, R1192G, R1078G.
Identifiers: ClinVar variation 4017658 (VCV004017658.1).